The following is an entry in ClinVar:

NM_022552.5(DNMT3A):c.1327C>T (p.Pro443Ser)

Gene: DNMT3A (DNA methyltransferase 3 alpha; minus strand). Cytogenetic location: 2p23.3.
Variant type: single nucleotide variant.
Coding change: c.1327C>T on transcript NM_022552.5 (MANE Select); coding-DNA position 1327, C replaced by T.
Protein change: p.Pro443Ser; replaces proline 443 with serine.
Molecular consequence: missense variant. On other transcripts: non-coding transcript variant (1).
Genome position (GRCh38, 1-based): chr2:25,246,262, G>A on the plus strand (C>T on the coding strand, the complement: DNMT3A is on the minus strand). VCF-style: chr2-25246262-G-A. GRCh37 (hg19) VCF-style: chr2-25469131-G-A.
Other names: c.871C>T, p.Pro291Ser (NM_001320893.1); c.658C>T, p.Pro220Ser (NM_001375819.1); c.760C>T, p.Pro254Ser (NM_153759.3); c.1327C>T, p.Pro443Ser (NM_175629.2); short protein forms P443S, P220S, P254S, P291S.
Identifiers: ClinVar variation 3504243 (VCV003504243.1).

ClinVar aggregate classification (germline): Uncertain significance (1 of 4 stars; one submission).

Conditions:
Inborn genetic diseases. Identifiers: MedGen C0950123, MeSH D030342.

gnomAD v4.1: 13 of 1,613,952 alleles (0.00081%); highest among the groups gnomAD compares: South Asian, 0.0011%; no homozygotes.

Submission:

Ambry Genetics
Classification: Uncertain significance for Inborn genetic diseases. Last evaluated: 2024-11-28. Review status: criteria provided, single submitter. Criteria: Ambry Variant Classification Scheme 2023. Collection method: clinical testing. Allele origin: germline.
Comment: The p.P443S variant (also known as c.1327C>T), located in coding exon 10 of the DNMT3A gene, results from a C to T substitution at nucleotide position 1327. The proline at codon 443 is replaced by serine, an amino acid with similar properties. This amino acid position is conserved. In addition, the in silico prediction for this alteration is inconclusive. Based on the available evidence, the clinical significance of this variant remains unclear.